The following is an entry in ClinVar:

NM_001244926.2(PRPF4):c.1414A>G (p.Thr472Ala)

Gene: PRPF4 (pre-mRNA splicing tri-snRNP complex factor PRPF4; plus strand). Cytogenetic location: 9q32.
Variant type: single nucleotide variant.
Coding change: c.1414A>G on transcript NM_001244926.2 (MANE Select); coding-DNA position 1414, A replaced by G.
Protein change: p.Thr472Ala; replaces threonine 472 with alanine.
Molecular consequence: missense variant. On other transcripts: non-coding transcript variant (2).
Genome position (GRCh38, 1-based): chr9:113,291,508, A>G. VCF-style: chr9-113291508-A-G. GRCh37 (hg19) VCF-style: chr9-116053788-A-G.
Other names: c.688A>G, p.Thr230Ala (NM_001322266.2, NM_001322267.2); c.1417A>G, p.Thr473Ala (NM_004697.5); short protein forms T472A, T230A, T473A.
Identifiers: ClinVar variation 2101445 (VCV002101445.5), dbSNP rs1832607793, ClinGen allele CA374556157.
Genomic context (GRCh38, chr9:113,291,508, plus strand): 5'-CCCTTCTCTTCTCCTGTAGCTATCCATGGGAACTTCTTGCTTACTGGTGCCTATGATAAC[A>G]CAGCCAAGATCTGGACGCACCCAGGCTGGTCCCCGCTGAAGACTCTGGCTGGCCACGAAG-3'
Protein context (NP_001231855.1, residues 462-482): NFLLTGAYDN[Thr472Ala]AKIWTHPGWS

ClinVar aggregate classification (germline): Conflicting classifications of pathogenicity. Review status: criteria provided, conflicting classifications (1 of 4 stars). 2 submissions from 2 submitters: Uncertain significance (1); Likely benign (1). Last evaluated 2025-05-21.

Allele frequency attached by ClinVar (database versions not stated): TOPMed below 0.00001.

Submissions (2):

Labcorp Genetics (formerly Invitae), Labcorp
Classification: Uncertain significance. Last evaluated: 2025-05-21. Review status: criteria provided, single submitter. Criteria: Invitae Variant Classification Sherloc (09022015). Collection method: clinical testing. Allele origin: germline.
Comment: This sequence change replaces threonine, which is neutral and polar, with alanine, which is neutral and non-polar, at codon 473 of the PRPF4 protein (p.Thr473Ala). This variant is not present in population databases (gnomAD no frequency). This variant has not been reported in the literature in individuals affected with PRPF4-related conditions. ClinVar contains an entry for this variant (Variation ID: 2101445). An algorithm developed to predict the effect of missense changes on protein structure and function (PolyPhen-2) suggests that this variant is likely to be disruptive. In summary, the available evidence is currently insufficient to determine the role of this variant in disease. Therefore, it has been classified as a Variant of Uncertain Significance.

Blueprint Genetics
Classification: Likely benign. Last evaluated: 2023-01-18. Review status: criteria provided, single submitter. Criteria: ACMG Guidelines, 2015. Collection method: clinical testing. Allele origin: germline.